The following is an entry in ClinVar:

NM_020320.5(RARS2):c.1A>T (p.Met1Leu)

Gene: RARS2 (arginyl-tRNA synthetase 2, mitochondrial; minus strand). Cytogenetic location: 6q15.
Variant type: single nucleotide variant.
Coding change: c.1A>T on transcript NM_020320.5 (MANE Select); coding-DNA position 1, A replaced by T.
Protein change: p.Met1Leu; changes the start codon (methionine 1).
Molecular consequence: missense variant, initiator codon variant. On other transcripts: 5 prime UTR variant (7), non-coding transcript variant (23).
Genome position (GRCh38, 1-based): chr6:87,589,957, T>A on the plus strand (A>T on the coding strand, the complement: RARS2 is on the minus strand). VCF-style: chr6-87589957-T-A. GRCh37 (hg19) VCF-style: chr6-88299675-T-A.
Other names: c.1A>T (NM_020320.4); c.-690A>T (NM_001318785.2); c.1A>T, p.Met1Leu (NM_001350505.2); c.-746A>T (NM_001350506.2, NM_001350510.2); c.-869A>T (NM_001350507.2); c.-908A>T (NM_001350508.2); c.-616A>T (NM_001350509.2); c.-865A>T (NM_001350511.2); short protein forms M1L.
Identifiers: ClinVar variation 974848 (VCV000974848.55), dbSNP rs774923951, ClinGen allele CA3916863.

ClinVar aggregate classification (germline): Pathogenic/Likely pathogenic. Review status: criteria provided, multiple submitters, no conflicts (2 of 4 stars). 8 submissions from 8 submitters: Pathogenic (7); Likely pathogenic (1). Last evaluated 2025-10-22.

Conditions:
Pontocerebellar hypoplasia type 6 (PCH6). Identifiers: Orphanet 166073, MedGen C1969084, MONDO:0012683, OMIM 611523.

Submissions (8):

Labcorp Genetics (formerly Invitae), Labcorp
Classification: Pathogenic. Last evaluated: 2025-10-22. Review status: criteria provided, single submitter. Criteria: Invitae Variant Classification Sherloc (09022015). Collection method: clinical testing. Allele origin: germline.
Comment: This sequence change affects the initiator codon of the RARS2 mRNA. This change may impact translation initiation or efficiency. The next in-frame methionine is located at codon 176. This variant is present in population databases (rs774923951, gnomAD 0.003%). Disruption of the initiator codon has been observed in individual(s) with pontocerebellar hypoplasia (PMID: 26083569, 32860008). In at least one individual the data is consistent with being in trans (on the opposite chromosome) from a pathogenic variant. It has also been observed to segregate with disease in related individuals. ClinVar contains an entry for this variant (Variation ID: 974848). This variant disrupts a region of the RARS2 protein in which other variant(s) (p.Ile9Val) have been observed in individuals with RARS2-related conditions (PMID: 22569581). This suggests that this is a clinically significant region of the protein, and that variants that disrupt it are likely to be disease-causing. For these reasons, this variant has been classified as Pathogenic.

Natera, Inc.
Classification: Pathogenic for Pontocerebellar hypoplasia, type 6. Last evaluated: 2025-07-16. Review status: criteria provided, single submitter. Criteria: Natera Variant Classification Schema (03/2026). Collection method: clinical testing. Allele origin: germline.
Comment: The c.1A>T variant in RARS2 is predicted to result in start loss due to disruption of the initiator methionine. This variant is expected to result in nonsense mediated decay, truncation, or a dysfunctional protein product. This variant is rare in the general population with a frequency below the threshold expected for the associated phenotype(s). This variant has been observed in one or more individuals affected with the associated recessive disease, as either homozygous or compound heterozygous with a second variant (PMID: 34717047). Given the available evidence, this variant is classified as Pathogenic.

GeneDx
Classification: Pathogenic. Last evaluated: 2022-01-06. Review status: criteria provided, single submitter. Criteria: GeneDx Variant Classification Process June 2021. Collection method: clinical testing. Allele origin: germline. Affected: yes.
Comment: Initiation codon variant in a gene for which loss-of-function is a known mechanism of disease; Not observed at significant frequency in large population cohorts (gnomAD); This variant is associated with the following publications: (PMID: 32860008, 26795593)

Fulgent Genetics
Classification: Pathogenic for Pontocerebellar hypoplasia type 6. Last evaluated: 2022-01-03. Review status: criteria provided, single submitter. Criteria: ACMG Guidelines, 2015. Collection method: clinical testing. Allele origin: unknown.

MGZ Medical Genetics Center
Classification: Likely pathogenic for Pontocerebellar hypoplasia type 6. Last evaluated: 2021-10-19. Review status: criteria provided, single submitter. Criteria: ACMG Guidelines, 2015. Collection method: clinical testing. Allele origin: germline. Affected: yes. Observed: 1 variant allele.
Comment: ACMG criteria applied: PVS1_MOD, PS1_MOD, PS4_SUP, PM2_SUP

CeGaT Center for Human Genetics Tuebingen
Classification: Pathogenic. Last evaluated: 2021-02-01. Review status: criteria provided, single submitter. Criteria: CeGaT Center For Human Genetics Tuebingen Variant Classification Criteria Version 2. Collection method: clinical testing. Allele origin: germline. Affected: yes. Observed: 2 variant alleles.

Genetic Services Laboratory, University of Chicago
Classification: Pathogenic. Last evaluated: 2018-12-10. Review status: criteria provided, single submitter. Criteria: ACMG Guidelines, 2015. Collection method: clinical testing. Allele origin: germline. Affected: yes.
Comment: DNA sequence analysis of the RARS2 gene demonstrated a sequence change, c.1A>T, in the first exon which is predicted to affect the translation initiation codon p.Met1. This sequence change has been described in the gnomAD database with a low population frequency of 0.00081% (dbSNP rs774923951). This particular amino acid change does not appear to have been described in the literature in other patients with RARS2 related disorders, however, a different pathogenic sequence change affecting the same amino acid residue (p.Met1Val) has been described in the compound heterozygous state in two siblings with pontocerebellar hypoplasia type 6 (PCH6) with some additional symptoms such as cardiomyopathy, hydrops, and pulmonary hypoplasia (PMID: 26083569).

CENTOGENE GmbH and LLC - Guiding Precision Medicine
Classification: Pathogenic for Pontocerebellar hypoplasia type 6. Review status: criteria provided, single submitter. Criteria: ACMG Guidelines, 2015. Collection method: clinical testing. Allele origin: germline. Affected: yes.

Literature cited by the submitters: PubMed 26083569 (cited by Labcorp Genetics (formerly Invitae), Labcorp); PubMed 32860008 (cited by Labcorp Genetics (formerly Invitae), Labcorp and CENTOGENE GmbH and LLC - Guiding Precision Medicine); PubMed 22569581 (cited by Labcorp Genetics (formerly Invitae), Labcorp); PubMed 34717047 (cited by Natera, Inc.).